The following is an entry in ClinVar:

ClinVar aggregate classification (germline): Uncertain significance (1 of 4 stars; one submission).

Conditions:
Dilated cardiomyopathy 1R (CMD1R). Identifiers: Orphanet 154, Orphanet 54260, MedGen C3150681, MONDO:0013261, OMIM 613424.
Atrial septal defect 5 (ASD5). Identifiers: Orphanet 1478, MedGen C2748552, MONDO:0013011, OMIM 612794.
Hypertrophic cardiomyopathy 11. Also called: ACTC1-Related Familial Hypertrophic Cardiomyopathy. Identifiers: MedGen C2677506, MONDO:0012799, OMIM 612098.

Submission:

Labcorp Genetics (formerly Invitae), Labcorp
Classification: Uncertain significance for Dilated cardiomyopathy 1R; Hypertrophic cardiomyopathy 11; Atrial septal defect 5. Last evaluated: 2025-09-24. Review status: criteria provided, single submitter. Criteria: Invitae Variant Classification Sherloc (09022015). Collection method: clinical testing. Allele origin: germline.
Comment: This sequence change replaces valine, which is neutral and non-polar, with leucine, which is neutral and non-polar, at codon 37 of the ACTC1 protein (p.Val37Leu). This variant is not present in population databases (gnomAD no frequency). This variant has not been reported in the literature in individuals affected with ACTC1-related conditions. Invitae Evidence Modeling of protein sequence and biophysical properties (such as structural, functional, and spatial information, amino acid conservation, physicochemical variation, residue mobility, and thermodynamic stability) indicates that this missense variant is not expected to disrupt ACTC1 protein function with a negative predictive value of 80%. In summary, the available evidence is currently insufficient to determine the role of this variant in disease. Therefore, it has been classified as a Variant of Uncertain Significance.

NM_005159.5(ACTC1):c.109G>T (p.Val37Leu)

Genes: ACTC1 (actin alpha cardiac muscle 1; minus strand), GJD2-DT (GJD2 divergent transcript; plus strand). Cytogenetic location: 15q14.
Variant type: single nucleotide variant.
Coding change: c.109G>T on transcript NM_005159.5 (MANE Select); coding-DNA position 109, G replaced by T.
Protein change: p.Val37Leu; replaces valine 37 with leucine.
Molecular consequence: missense variant.
Genome position (GRCh38, 1-based): chr15:34,794,700, C>A on the plus strand (G>T on the coding strand, the complement: ACTC1 is on the minus strand). VCF-style: chr15-34794700-C-A. GRCh37 (hg19) VCF-style: chr15-35086901-C-A.
Other names: c.109G>T, p.Val37Leu (NM_001406482.1, NM_001406483.1); short protein forms V37L.
Identifiers: ClinVar variation 4783297 (VCV004783297.1).